The following is an entry in ClinVar:

NM_031418.4(ANO3):c.1155-3C>T

Gene: ANO3 (anoctamin 3; plus strand). Cytogenetic location: 11p14.2.
Variant type: single nucleotide variant.
Coding change: c.1155-3C>T on transcript NM_031418.4 (MANE Select); 3 bases into the intron before coding-DNA position 1155, C replaced by T.
Molecular consequence: intron variant.
Genome position (GRCh38, 1-based): chr11:26,547,413, C>T. VCF-style: chr11-26547413-C-T. GRCh37 (hg19) VCF-style: chr11-26568960-C-T.
Other names: c.1338-3C>T (NM_001313726.2); c.717-3C>T (NM_001313727.2).
Identifiers: ClinVar variation 3023574 (VCV003023574.3), dbSNP rs1278114968, ClinGen allele CA675087658.

ClinVar aggregate classification (germline): Uncertain significance (1 of 4 stars; one submission).

Conditions:
Dystonic disorder. Also called: Dystonia. Identifiers: MedGen C0013421, MONDO:0003441, HP:0001332.

Allele frequency attached by ClinVar (database versions not stated): gnomAD exomes below 0.00001; gnomAD 0.00001; TOPMed 0.00001.
gnomAD v4.1: 2 of 1,610,676 alleles (0.00012%); highest among the groups gnomAD compares: African/African-American, 0.0027%; no homozygotes.

Submission:

Labcorp Genetics (formerly Invitae), Labcorp
Classification: Uncertain significance for Dystonic disorder. Last evaluated: 2023-03-19. Review status: criteria provided, single submitter. Criteria: Invitae Variant Classification Sherloc (09022015). Collection method: clinical testing. Allele origin: germline.
Comment: In summary, the available evidence is currently insufficient to determine the role of this variant in disease. Therefore, it has been classified as a Variant of Uncertain Significance. Variants that disrupt the consensus splice site are a relatively common cause of aberrant splicing (PMID: 17576681, 9536098). Algorithms developed to predict the effect of sequence changes on RNA splicing suggest that this variant may disrupt the consensus splice site. This variant has not been reported in the literature in individuals affected with ANO3-related conditions. This variant is not present in population databases (gnomAD no frequency). This sequence change falls in intron 11 of the ANO3 gene. It does not directly change the encoded amino acid sequence of the ANO3 protein. It affects a nucleotide within the consensus splice site.

Literature cited by the submitters: PubMed 17576681; PubMed 9536098.